The following is an entry in ClinVar:

ClinVar aggregate classification (germline): Uncertain significance (1 of 4 stars; one submission).

Conditions:
Congenital myotonia, autosomal dominant form (THD). Also called: THOMSEN DISEASE; Myotonia congenita autosomal dominant. Identifiers: Orphanet 614, MedGen C2936781, MONDO:0008055, OMIM 160800.
Congenital myotonia, autosomal recessive form. Also called: Becker Generalized Myotonia; myotonia congenita, autosomal recessive; BECKER DISEASE. Identifiers: Orphanet 614, MedGen C0751360, MONDO:0009715, OMIM 255700.

gnomAD v4.1: 2 of 1,614,040 alleles (0.00012%); highest among the groups gnomAD compares: Non-Finnish European, 0.00017%; no homozygotes.

Submission:

Labcorp Genetics (formerly Invitae), Labcorp
Classification: Uncertain significance for Congenital myotonia, autosomal recessive form; Congenital myotonia, autosomal dominant form. Last evaluated: 2025-07-02. Review status: criteria provided, single submitter. Criteria: Invitae Variant Classification Sherloc (09022015). Collection method: clinical testing. Allele origin: germline.
Comment: This sequence change replaces glutamine, which is neutral and polar, with proline, which is neutral and non-polar, at codon 144 of the CLCN1 protein (p.Gln144Pro). This variant is not present in population databases (gnomAD no frequency). This missense change has been observed in individual(s) with myotonia (internal data). ClinVar contains an entry for this variant (Variation ID: 3762580). An algorithm developed to predict the effect of missense changes on protein structure and function (PolyPhen-2) suggests that this variant is likely to be disruptive. In summary, the available evidence is currently insufficient to determine the role of this variant in disease. Therefore, it has been classified as a Variant of Uncertain Significance.

NM_000083.3(CLCN1):c.431A>C (p.Gln144Pro)

Gene: CLCN1 (chloride voltage-gated channel 1; plus strand). Cytogenetic location: 7q34.
Variant type: single nucleotide variant.
Coding change: c.431A>C on transcript NM_000083.3 (MANE Select); coding-DNA position 431, A replaced by C.
Protein change: p.Gln144Pro; replaces glutamine 144 with proline.
Molecular consequence: missense variant. On other transcripts: non-coding transcript variant (1).
Genome position (GRCh38, 1-based): chr7:143,320,793, A>C. VCF-style: chr7-143320793-A-C. GRCh37 (hg19) VCF-style: chr7-143017886-A-C.
Other names: short protein forms Q144P.
Identifiers: ClinVar variation 3762580 (VCV003762580.2).